The following is an entry in ClinVar:

NM_004252.5(NHERF1):c.488G>A (p.Gly163Asp)

Gene: NHERF1 (NHERF family PDZ scaffold protein 1; plus strand). Cytogenetic location: 17q25.1.
Variant type: single nucleotide variant.
Coding change: c.488G>A on transcript NM_004252.5 (MANE Select); coding-DNA position 488, G replaced by A.
Protein change: p.Gly163Asp; replaces glycine 163 with aspartic acid.
Molecular consequence: missense variant.
Genome position (GRCh38, 1-based): chr17:74,762,058, G>A. VCF-style: chr17-74762058-G-A. GRCh37 (hg19) VCF-style: chr17-72758197-G-A.
Other names: short protein forms G163D.
Identifiers: ClinVar variation 3627367 (VCV003627367.2).

ClinVar aggregate classification (germline): Uncertain significance (1 of 4 stars; one submission).

gnomAD v4.1: 19 of 1,614,016 alleles (0.0012%); highest among the groups gnomAD compares: Admixed American, 0.032%; no homozygotes.

Submission:

Labcorp Genetics (formerly Invitae), Labcorp
Classification: Uncertain significance. Last evaluated: 2025-01-31. Review status: criteria provided, single submitter. Criteria: Invitae Variant Classification Sherloc (09022015). Collection method: clinical testing. Allele origin: germline.
Comment: This sequence change replaces glycine, which is neutral and non-polar, with aspartic acid, which is acidic and polar, at codon 163 of the SLC9A3R1 protein (p.Gly163Asp). This variant is present in population databases (rs746464571, gnomAD 0.03%). This variant has not been reported in the literature in individuals affected with SLC9A3R1-related conditions. An algorithm developed to predict the effect of missense changes on protein structure and function (PolyPhen-2) suggests that this variant is likely to be disruptive. In summary, the available evidence is currently insufficient to determine the role of this variant in disease. Therefore, it has been classified as a Variant of Uncertain Significance.